The following is an entry in ClinVar:

NM_001371986.1(UNC80):c.6036G>A (p.Trp2012Ter)

Gene: UNC80 (unc-80 subunit of NALCN channel complex; plus strand). Cytogenetic location: 2q34.
Variant type: single nucleotide variant.
Coding change: c.6036G>A on transcript NM_001371986.1 (MANE Select); coding-DNA position 6036, G replaced by A.
Protein change: p.Trp2012Ter; replaces tryptophan 2012 with a stop codon.
Molecular consequence: nonsense.
Genome position (GRCh38, 1-based): chr2:209,933,863, G>A. VCF-style: chr2-209933863-G-A. GRCh37 (hg19) VCF-style: chr2-210798587-G-A.
Other names: c.5823G>A, p.Trp1941Ter (NM_182587.4); c.5838G>A, p.Trp1946Ter (NM_032504.2); short protein forms W2012*, W1941*, W1946*.
Identifiers: ClinVar variation 2032758 (VCV002032758.4), dbSNP rs2471154038, ClinGen allele CA350768894.

ClinVar aggregate classification (germline): Pathogenic (1 of 4 stars; one submission).

Submission:

Labcorp Genetics (formerly Invitae), Labcorp
Classification: Pathogenic. Last evaluated: 2022-09-27. Review status: criteria provided, single submitter. Criteria: Invitae Variant Classification Sherloc (09022015). Collection method: clinical testing. Allele origin: germline.
Comment: For these reasons, this variant has been classified as Pathogenic. This variant has not been reported in the literature in individuals affected with UNC80-related conditions. This variant is not present in population databases (gnomAD no frequency). This sequence change creates a premature translational stop signal (p.Trp1946*) in the UNC80 gene. It is expected to result in an absent or disrupted protein product. Loss-of-function variants in UNC80 are known to be pathogenic (PMID: 26545877, 26708751, 26708753).

Literature cited by the submitters: PubMed 26545877; PubMed 26708751; PubMed 26708753.